The following is an entry in ClinVar:

NM_024675.4(PALB2):c.3291T>G (p.Pro1097=)

Gene: PALB2 (partner and localizer of BRCA2; minus strand). Cytogenetic location: 16p12.2.
Variant type: single nucleotide variant.
Coding change: c.3291T>G on transcript NM_024675.4 (MANE Select); coding-DNA position 3291, T replaced by G.
Protein change: p.Pro1097=; no amino-acid change (proline 1097 retained).
Molecular consequence: synonymous variant. On other transcripts: intron variant (8).
Genome position (GRCh38, 1-based): chr16:23,607,923, A>C on the plus strand (T>G on the coding strand, the complement: PALB2 is on the minus strand). VCF-style: chr16-23607923-A-C. GRCh37 (hg19) VCF-style: chr16-23619244-A-C.
Other names: c.3231T>G, p.Pro1077= (NM_001407296.1); c.3219T>G, p.Pro1073= (NM_001407297.1); c.3129T>G, p.Pro1043= (NM_001407298.1); c.3012T>G, p.Pro1004= (NM_001407300.1); c.2406T>G, p.Pro802= (NM_001407304.1, NM_001407305.1, NM_001407306.1); c.2244T>G, p.Pro748= (NM_001407307.1); c.1503T>G, p.Pro501= (NM_001407312.1); c.825T>G, p.Pro275= (NM_001407314.1); and 6 more.
Identifiers: ClinVar variation 3032310 (VCV003032310.4), dbSNP rs767472685, ClinGen allele CA494175599.

ClinVar aggregate classification (germline): Benign/Likely benign. Review status: criteria provided, multiple submitters, no conflicts (2 of 4 stars). 3 submissions from 3 submitters: Benign (1); Likely benign (1). 1 of the submissions does not count toward it. Last evaluated 2025-08-11.

Conditions:
PALB2-related disorder. Also called: PALB2-related condition; PALB2-related disorders.
Hereditary cancer-predisposing syndrome. Also called: Neoplastic Syndromes, Hereditary; Tumor predisposition; Hereditary neoplastic syndrome; Hereditary Cancer Syndrome. Identifiers: Orphanet 140162, MedGen C0027672, MeSH D009386, MONDO:0015356.
Familial cancer of breast. Also called: Hereditary breast cancer; BREAST CANCER, FAMILIAL; hereditary breast carcinoma. Identifiers: Orphanet 227535, MedGen C0346153, MONDO:0016419, OMIM 114480. Disease mechanism: loss of function.

Submissions (3):

Ambry Genetics
Classification: Likely benign for Hereditary cancer-predisposing syndrome. Last evaluated: 2025-08-11. Review status: criteria provided, single submitter. Criteria: Ambry Variant Classification Scheme 2023. Collection method: clinical testing. Allele origin: germline.

Myriad Genetics, Inc.
Classification: Benign for Familial cancer of breast. Last evaluated: 2025-01-22. Review status: criteria provided, single submitter. Criteria: Myriad Autosomal Dominant, Autosomal Recessive and X-Linked Classification Criteria (2023). Collection method: clinical testing. Allele origin: unknown.
Comment: This variant is considered benign. This variant is a silent/synonymous amino acid change and it is not expected to impact splicing.

PreventionGenetics, part of Exact Sciences
Classification: Likely benign for PALB2-related condition. Last evaluated: 2020-11-03. Review status: no assertion criteria provided. Collection method: clinical testing. Allele origin: germline. Not counted in ClinVar's aggregate classification.
Comment: This variant is classified as likely benign based on ACMG/AMP sequence variant interpretation guidelines (Richards et al. 2015 PMID: 25741868, with internal and published modifications).